The following is an entry in ClinVar:

ClinVar aggregate classification (germline): Likely benign. Review status: criteria provided, multiple submitters, no conflicts (2 of 4 stars). 3 submissions from 3 submitters: Likely benign (2). 1 of the submissions does not count toward it. Last evaluated 2025-11-12.

Conditions:
TUB-related disorder. Also called: TUB-related condition.

Allele frequency attached by ClinVar (database versions not stated): gnomAD 0.00002 and 0.00003; TOPMed 0.00003; ExAC 0.00004; gnomAD exomes 0.00004.
gnomAD v4.1: 61 of 1,614,098 alleles (0.0038%); highest among the groups gnomAD compares: Non-Finnish European, 0.0046%; 1 homozygote.

Submissions (3):

Labcorp Genetics (formerly Invitae), Labcorp
Classification: Likely benign. Last evaluated: 2025-11-12. Review status: criteria provided, single submitter. Criteria: Invitae Variant Classification Sherloc (09022015). Collection method: clinical testing. Allele origin: germline.

Blueprint Genetics
Classification: Likely benign. Last evaluated: 2024-09-19. Review status: criteria provided, single submitter. Criteria: ACMG Guidelines, 2015. Collection method: clinical testing. Allele origin: germline.

PreventionGenetics, part of Exact Sciences
Classification: Likely benign for TUB-related condition. Last evaluated: 2020-11-25. Review status: no assertion criteria provided. Collection method: clinical testing. Allele origin: germline. Not counted in ClinVar's aggregate classification.
Comment: This variant is classified as likely benign based on ACMG/AMP sequence variant interpretation guidelines (Richards et al. 2015 PMID: 25741868, with internal and published modifications).

NM_177972.3(TUB):c.1497C>T (p.Phe499=)

Genes: RIC3 (RIC3 acetylcholine receptor chaperone; minus strand), TUB (TUB bipartite transcription factor; plus strand). Cytogenetic location: 11p15.4.
Variant type: single nucleotide variant.
Coding change: c.1497C>T on transcript NM_177972.3 (MANE Select); coding-DNA position 1497, C replaced by T.
Protein change: p.Phe499=; no amino-acid change (phenylalanine 499 retained).
Molecular consequence: synonymous variant.
Genome position (GRCh38, 1-based): chr11:8,101,595, C>T. VCF-style: chr11-8101595-C-T. GRCh37 (hg19) VCF-style: chr11-8123142-C-T.
Other names: c.1662C>T, p.Phe554= (NM_003320.5).
Identifiers: ClinVar variation 724196 (VCV000724196.11), dbSNP rs757279151, ClinGen allele CA5871531.